The following is an entry in ClinVar:

ClinVar aggregate classification (germline): Uncertain significance. Review status: criteria provided, multiple submitters, no conflicts (2 of 4 stars). 2 submissions from 2 submitters: Uncertain significance (2). Last evaluated 2022-09-14.

Conditions:
Inborn genetic diseases. Identifiers: MedGen C0950123, MeSH D030342.
Glycogen storage disease IXb (GSD9B). Also called: GLYCOGENOSIS OF LIVER AND MUSCLE, AUTOSOMAL RECESSIVE; GSD IXb; PHOSPHORYLASE KINASE DEFICIENCY OF LIVER AND MUSCLE, AUTOSOMAL RECESSIVE. Identifiers: Orphanet 79240, MedGen C0543514, MONDO:0009868, OMIM 261750.

Allele frequency attached by ClinVar (database versions not stated): TOPMed below 0.00001; gnomAD 0.00001; gnomAD exomes 0.00001.
gnomAD v4.1: 13 of 1,614,044 alleles (0.00081%); highest among the groups gnomAD compares: Non-Finnish European, 0.0011%; no homozygotes.

Submissions (2):

Ambry Genetics
Classification: Uncertain significance for Inborn genetic diseases. Last evaluated: 2022-09-14. Review status: criteria provided, single submitter. Criteria: Ambry Variant Classification Scheme 2023. Collection method: clinical testing. Allele origin: germline.

Labcorp Genetics (formerly Invitae), Labcorp
Classification: Uncertain significance for Glycogen storage disease IXb. Last evaluated: 2022-02-22. Review status: criteria provided, single submitter. Criteria: Invitae Variant Classification Sherloc (09022015). Collection method: clinical testing. Allele origin: germline.
Comment: This sequence change replaces asparagine, which is neutral and polar, with aspartic acid, which is acidic and polar, at codon 1086 of the PHKB protein (p.Asn1086Asp). This variant is not present in population databases (gnomAD no frequency). This variant has not been reported in the literature in individuals affected with PHKB-related conditions. Algorithms developed to predict the effect of missense changes on protein structure and function (SIFT, PolyPhen-2, Align-GVGD) all suggest that this variant is likely to be tolerated. In summary, the available evidence is currently insufficient to determine the role of this variant in disease. Therefore, it has been classified as a Variant of Uncertain Significance.

NM_000293.3(PHKB):c.3256A>G (p.Asn1086Asp)

Gene: PHKB (phosphorylase kinase regulatory subunit beta; plus strand). Cytogenetic location: 16q12.1.
Variant type: single nucleotide variant.
Coding change: c.3256A>G on transcript NM_000293.3 (MANE Select); coding-DNA position 3256, A replaced by G.
Protein change: p.Asn1086Asp; replaces asparagine 1086 with aspartic acid.
Molecular consequence: missense variant.
Genome position (GRCh38, 1-based): chr16:47,699,340, A>G. VCF-style: chr16-47699340-A-G. GRCh37 (hg19) VCF-style: chr16-47733251-A-G.
Other names: c.3235A>G, p.Asn1079Asp (NM_001031835.3); c.3256A>G, p.Asn1086Asp (NM_001363837.1); c.3256A>G (NM_000293.2); short protein forms N1086D, N1079D.
Identifiers: ClinVar variation 2149799 (VCV002149799.2), dbSNP rs1974209461, ClinGen allele CA396101984.